The following is an entry in ClinVar:

NM_138694.4(PKHD1):c.3743G>A (p.Trp1248Ter)

Gene: PKHD1 (PKHD1 ciliary IPT domain containing fibrocystin/polyductin; minus strand). Cytogenetic location: 6p12.2.
Variant type: single nucleotide variant.
Coding change: c.3743G>A on transcript NM_138694.4 (MANE Select); coding-DNA position 3743, G replaced by A.
Protein change: p.Trp1248Ter; replaces tryptophan 1248 with a stop codon.
Molecular consequence: nonsense.
Genome position (GRCh38, 1-based): chr6:52,026,067, C>T on the plus strand (G>A on the coding strand, the complement: PKHD1 is on the minus strand). VCF-style: chr6-52026067-C-T. GRCh37 (hg19) VCF-style: chr6-51890865-C-T.
Other names: c.3743G>A, p.Trp1248Ter (NM_170724.3); short protein forms W1248*.
Identifiers: ClinVar variation 1725013 (VCV001725013.2), dbSNP rs2128146713, ClinGen allele CA364438039.

ClinVar aggregate classification (germline): Likely pathogenic (1 of 4 stars; one submission).

Conditions:
Polycystic kidney disease 4 (PKD4). Also called: POLYCYSTIC KIDNEY AND HEPATIC DISEASE 1; POLYCYSTIC KIDNEY DISEASE, INFANTILE, TYPE I; POLYCYSTIC KIDNEY DISEASE 4 WITH OR WITHOUT POLYCYSTIC LIVER DISEASE; PKD3; Autosomal Recessive Polycystic Kidney Disease – PKHD1. Identifiers: MedGen C4540575, MONDO:0033004, OMIM 263200.

Submission:

Myriad Genetics, Inc.
Classification: Likely pathogenic for Polycystic kidney disease 4. Last evaluated: 2022-03-04. Review status: criteria provided, single submitter. Criteria: Myriad Women's Health Autosomal Recessive and X-Linked Classification Criteria (2021). Collection method: clinical testing. Allele origin: unknown.
Comment: NM_138694.3(PKHD1):c.3743G>A(W1248*) is expected to be pathogenic in the context of autosomal recessive polycystic kidney disease, PKHD1-related. This variant is predicted to lead to an abnormal or absent protein product due to the creation of a premature termination codon in PKHD1, a gene where loss-of-function variants are known to be pathogenic. Please note: this variant was assessed in the context of healthy population screening.